The following is an entry in ClinVar:

ClinVar aggregate classification (germline): Uncertain significance. Review status: criteria provided, multiple submitters, no conflicts (2 of 4 stars). 3 submissions from 3 submitters: Uncertain significance (3). Last evaluated 2023-01-25.

Conditions:
Microphthalmia with brain and digit anomalies (MCOPS6). Also called: Microphthalmia, syndromic 6; MICROPHTHALMIA AND PITUITARY ANOMALIES. Identifiers: Orphanet 139471, MedGen C1864689, MONDO:0011936, OMIM 607932.
Orofacial cleft 11 (OFC11). Also called: Orofacial cleft 11; ofc11; CLEFT LIP WITH OR WITHOUT CLEFT PALATE, NONSYNDROMIC, 11. Identifiers: MedGen C2677434, MONDO:0010906, OMIM 600625.

Allele frequency attached by ClinVar (database versions not stated): ExAC 0.00001; gnomAD 0.00001; gnomAD exomes 0.00001; TOPMed 0.00001.
gnomAD v4.1: 13 of 1,614,104 alleles (0.00081%); highest among the groups gnomAD compares: South Asian, 0.0044%; no homozygotes.

Submissions (3):

Labcorp Genetics (formerly Invitae), Labcorp
Classification: Uncertain significance for Microphthalmia with brain and digit anomalies; Orofacial cleft 11. Last evaluated: 2023-01-25. Review status: criteria provided, single submitter. Criteria: Invitae Variant Classification Sherloc (09022015). Collection method: clinical testing. Allele origin: germline.
Comment: In summary, the available evidence is currently insufficient to determine the role of this variant in disease. Therefore, it has been classified as a Variant of Uncertain Significance. Advanced modeling of protein sequence and biophysical properties (such as structural, functional, and spatial information, amino acid conservation, physicochemical variation, residue mobility, and thermodynamic stability) performed at Invitae indicates that this missense variant is not expected to disrupt BMP4 protein function. ClinVar contains an entry for this variant (Variation ID: 1705059). This variant has not been reported in the literature in individuals affected with BMP4-related conditions. This variant is present in population databases (rs769454152, gnomAD 0.009%). This sequence change replaces arginine, which is basic and polar, with tryptophan, which is neutral and slightly polar, at codon 245 of the BMP4 protein (p.Arg245Trp).

Revvity Omics, Revvity
Classification: Uncertain significance. Last evaluated: 2022-09-14. Review status: criteria provided, single submitter. Criteria: ACMG Guidelines, 2015. Collection method: clinical testing. Allele origin: germline.

Women's Health and Genetics/Laboratory Corporation of America, LabCorp
Classification: Uncertain significance. Last evaluated: 2022-08-09. Review status: criteria provided, single submitter. Criteria: LabCorp Variant Classification Summary - May 2015. Collection method: clinical testing. Allele origin: germline.
Comment: Variant summary: BMP4 c.733C>T (p.Arg245Trp) results in a non-conservative amino acid change located in the TGF-beta, propeptide domain (IPR001111) of the encoded protein sequence. Four of five in-silico tools predict a damaging effect of the variant on protein function. The variant allele was found at a frequency of 2.4e-05 in 251400 control chromosomes (gnomAD). The available data on variant occurrences in the general population are insufficient to allow any conclusion about variant significance. To our knowledge, no occurrence of c.733C>T in individuals affected with Microphthalmia With Brain And Digit Anomalies and no experimental evidence demonstrating its impact on protein function have been reported. No clinical diagnostic laboratories have submitted clinical-significance assessments for this variant to ClinVar after 2014. Based on the evidence outlined above, the variant was classified as uncertain significance.

NM_001202.6(BMP4):c.733C>T (p.Arg245Trp)

Gene: BMP4 (bone morphogenetic protein 4; minus strand). Cytogenetic location: 14q22.2.
Variant type: single nucleotide variant.
Coding change: c.733C>T on transcript NM_001202.6 (MANE Select); coding-DNA position 733, C replaced by T.
Protein change: p.Arg245Trp; replaces arginine 245 with tryptophan.
Molecular consequence: missense variant.
Genome position (GRCh38, 1-based): chr14:53,950,526, G>A on the plus strand (C>T on the coding strand, the complement: BMP4 is on the minus strand). VCF-style: chr14-53950526-G-A. GRCh37 (hg19) VCF-style: chr14-54417244-G-A.
Other names: c.874C>T, p.Arg292Trp (NM_001347912.1); c.544C>T, p.Arg182Trp (NM_001347913.2, NM_001347915.2, NM_001347917.1); c.733C>T, p.Arg245Trp (NM_001347914.2, NM_001347916.1, NM_130850.5 and 1 more transcripts); short protein forms R182W, R245W, R292W.
Identifiers: ClinVar variation 1705059 (VCV001705059.7), dbSNP rs769454152, ClinGen allele CA7191685.